The following is an entry in ClinVar:

NM_004977.3(KCNC3):c.2120G>C (p.Cys707Ser)

Gene: KCNC3 (potassium voltage-gated channel subfamily C member 3; minus strand). Cytogenetic location: 19q13.33.
Variant type: single nucleotide variant.
Coding change: c.2120G>C on transcript NM_004977.3 (MANE Select); coding-DNA position 2120, G replaced by C.
Protein change: p.Cys707Ser; replaces cysteine 707 with serine.
Molecular consequence: missense variant. On other transcripts: non-coding transcript variant (1).
Genome position (GRCh38, 1-based): chr19:50,320,643, C>G on the plus strand (G>C on the coding strand, the complement: KCNC3 is on the minus strand). VCF-style: chr19-50320643-C-G. GRCh37 (hg19) VCF-style: chr19-50823900-C-G.
Other names: c.1892G>C, p.Cys631Ser (NM_001372305.1); short protein forms C707S, C631S.
Identifiers: ClinVar variation 1358230 (VCV001358230.6), dbSNP rs761236570, ClinGen allele CA406968599.

ClinVar aggregate classification (germline): Uncertain significance (1 of 4 stars; one submission).

Allele frequency attached by ClinVar (database versions not stated): TOPMed below 0.00001.
gnomAD v4.1: 6 of 1,613,268 alleles (0.00037%); highest among the groups gnomAD compares: Non-Finnish European, 0.00051%; no homozygotes.

Submission:

Labcorp Genetics (formerly Invitae), Labcorp
Classification: Uncertain significance. Last evaluated: 2021-09-14. Review status: criteria provided, single submitter. Criteria: Invitae Variant Classification Sherloc (09022015). Collection method: clinical testing. Allele origin: germline.
Comment: In summary, the available evidence is currently insufficient to determine the role of this variant in disease. Therefore, it has been classified as a Variant of Uncertain Significance. This sequence change replaces cysteine with serine at codon 707 of the KCNC3 protein (p.Cys707Ser). The cysteine residue is moderately conserved and there is a moderate physicochemical difference between cysteine and serine. This variant is not present in population databases (ExAC no frequency). This variant has not been reported in the literature in individuals affected with KCNC3-related conditions. Algorithms developed to predict the effect of missense changes on protein structure and function (SIFT, PolyPhen-2, Align-GVGD) all suggest that this variant is likely to be tolerated.